The following is an entry in ClinVar:

ClinVar aggregate classification (germline): Pathogenic/Likely pathogenic. Review status: criteria provided, multiple submitters, no conflicts (2 of 4 stars). 3 submissions from 3 submitters: Pathogenic (1); Likely pathogenic (1). 1 of the submissions does not count toward it. Last evaluated 2023-12-11.

Conditions:
Mucopolysaccharidosis, MPS-III-A (MPS3A). Also called: SANFILIPPO SYNDROME A; SULFAMIDASE DEFICIENCY; MPS III A; MUCOPOLYSACCHARIDOSIS, TYPE IIIA, ATTENUATED; Mucopolysaccharidosis type IIIA (Sanfilippo A); MPS IIIA (Sanfilippo Syndrome Type A). Identifiers: Orphanet 581, Orphanet 79269, MedGen C0086647, MONDO:0009655, OMIM 252900.
SGSH-related disorder. Also called: SGSH-related condition.

gnomAD v4.1: 4 of 1,614,018 alleles (0.00025%); highest among the groups gnomAD compares: Non-Finnish European, 0.00034%; no homozygotes.

Submissions (3):

Labcorp Genetics (formerly Invitae), Labcorp
Classification: Pathogenic for Mucopolysaccharidosis, MPS-III-A. Last evaluated: 2023-12-11. Review status: criteria provided, single submitter. Criteria: Invitae Variant Classification Sherloc (09022015). Collection method: clinical testing. Allele origin: germline.
Comment: This sequence change creates a premature translational stop signal (p.Trp436*) in the SGSH gene. While this is not anticipated to result in nonsense mediated decay, it is expected to disrupt the last 67 amino acid(s) of the SGSH protein. This variant is not present in population databases (gnomAD no frequency). This variant has not been reported in the literature in individuals affected with SGSH-related conditions. ClinVar contains an entry for this variant (Variation ID: 550048). This variant disrupts a region of the SGSH protein in which other variant(s) (p.Asp477Glu) have been determined to be pathogenic (PMID: 21204211; Invitae). This suggests that this is a clinically significant region of the protein, and that variants that disrupt it are likely to be disease-causing. For these reasons, this variant has been classified as Pathogenic.

Blueprint Genetics
Classification: Likely pathogenic for SGSH-related disorders. Last evaluated: 2023-08-28. Review status: criteria provided, single submitter. Criteria: ACMG Guidelines, 2015. Collection method: clinical testing. Allele origin: germline. Affected: yes. Observed: 2 variant alleles.

Counsyl
Classification: Likely pathogenic for Mucopolysaccharidosis, MPS-III-A. Last evaluated: 2017-10-04. Review status: no assertion criteria provided. Collection method: clinical testing. Allele origin: unknown. Not counted in ClinVar's aggregate classification.

Literature cited by the submitters: PubMed 21204211 (cited by Labcorp Genetics (formerly Invitae), Labcorp).

NM_000199.5(SGSH):c.1308G>A (p.Trp436Ter)

Gene: SGSH (N-sulfoglucosamine sulfohydrolase; minus strand). Cytogenetic location: 17q25.3.
Variant type: single nucleotide variant.
Coding change: c.1308G>A on transcript NM_000199.5 (MANE Select); coding-DNA position 1308, G replaced by A.
Protein change: p.Trp436Ter; replaces tryptophan 436 with a stop codon.
Molecular consequence: nonsense. On other transcripts: 3 prime UTR variant (2), non-coding transcript variant (1).
Genome position (GRCh38, 1-based): chr17:80,210,653, C>T on the plus strand (G>A on the coding strand, the complement: SGSH is on the minus strand). VCF-style: chr17-80210653-C-T. GRCh37 (hg19) VCF-style: chr17-78184452-C-T.
Other names: c.*395G>A (NM_001352921.3); c.*358G>A (NM_001352922.2); short protein forms W436*.
Identifiers: ClinVar variation 550048 (VCV000550048.6), dbSNP rs1555620141, ClinGen allele CA401358708.